The following is an entry in ClinVar:

ClinVar aggregate classification (germline): Pathogenic/Likely pathogenic. Review status: criteria provided, multiple submitters, no conflicts (2 of 4 stars). 18 submissions from 18 submitters: Pathogenic (15); Likely pathogenic (1). 2 of the submissions do not count toward it. Last evaluated 2025-08-18.

Conditions:
MEN1-related disorder. Also called: MEN1-related condition.
Hereditary cancer-predisposing syndrome. Also called: Neoplastic Syndromes, Hereditary; Hereditary Cancer Syndrome; Tumor predisposition; Hereditary neoplastic syndrome. Identifiers: Orphanet 140162, MedGen C0027672, MeSH D009386, MONDO:0015356.
Multiple endocrine neoplasia, type 1 (MEN1). Also called: MEN I; WERMER SYNDROME; Endocrine adenomatosis multiple; MEN 1; MEA I. Identifiers: Orphanet 652, MedGen C0025267, MeSH D018761, MONDO:0007540, OMIM 131100.

Submissions 1 to 9 of 18:

Clinical Genetics Laboratory, Skane University Hospital Lund
Classification: Pathogenic for Multiple endocrine neoplasia, type 1. Last evaluated: 2025-08-18. Review status: criteria provided, single submitter. Criteria: ACMG Guidelines, 2015. Collection method: clinical testing. Allele origin: germline. Affected: yes.
Comment: PVS1, PS4, PM2, PP4_Strong

Labcorp Genetics (formerly Invitae), Labcorp
Classification: Pathogenic for Multiple endocrine neoplasia, type 1. Last evaluated: 2025-07-27. Review status: criteria provided, single submitter. Criteria: Invitae Variant Classification Sherloc (09022015). Collection method: clinical testing. Allele origin: germline.
Comment: This sequence change falls in intron 4 of the MEN1 gene. It does not directly change the encoded amino acid sequence of the MEN1 protein. RNA analysis indicates that this variant induces altered splicing and may result in an absent or altered protein product. This variant is not present in population databases (gnomAD no frequency). This variant has been observed in individuals with multiple endocrine neoplasia type 1 (MEN1) (PMID: 10090472, 10424788, 12050235, 17879353, 22470073). It has also been observed to segregate with disease in related individuals. Invitae Evidence Modeling of clinical and family history, age, sex, and reported ancestry of multiple individuals with this MEN1 variant has been performed. This variant is expected to be pathogenic with a positive predictive value of at least 99%. This is a validated machine learning model that incorporates the clinical features of 1,366,787 individuals referred to our laboratory for MEN1 testing. This variant is also known as 799-9G>A, 894-9G>A, IVS4-9G>A, 5168G>A, and 5178-9G>A. ClinVar contains an entry for this variant (Variation ID: 200981). Studies have shown that this variant results in activation of a cryptic splice site, and produces a non-functional protein and/or introduces a premature termination codon (PMID: 10424788, 10861493, 12050235; internal data). For these reasons, this variant has been classified as Pathogenic.

Mayo Clinic Laboratories, Mayo Clinic
Classification: Pathogenic. Last evaluated: 2025-06-27. Review status: criteria provided, single submitter. Criteria: ACMG Guidelines, 2015. Collection method: clinical testing. Allele origin: germline. Observed: 1 variant allele.
Comment: PP3, PP4, PM2_supporting, PS1_supporting, PS4_moderate, PVS1

Women's Health and Genetics/Laboratory Corporation of America, LabCorp
Classification: Pathogenic for Multiple endocrine neoplasia, type 1. Last evaluated: 2025-06-09. Review status: criteria provided, single submitter. Criteria: LabCorp Variant Classification Summary - May 2015. Collection method: clinical testing. Allele origin: germline.
Comment: Variant summary: MEN1 c.784-9G>A alters a nucleotide located at a position not widely known to affect splicing. Several computational tools predict a significant impact on normal splicing: Two predict the variant abolishes a 3' acceptor site. Two predict the variant weakens a 3' acceptor site. Four predict the variant creates a 3' acceptor site. At least one publication reports experimental evidence that this variant affects mRNA splicing (Mutch_1999, Turner_2002). The variant was absent in 248200 control chromosomes. c.784-9G>A has been observed in multiple individuals affected with Multiple Endocrine Neoplasia Type 1 (Mutch_1999, Turner_2002). These data indicate that the variant is very likely to be associated with disease. The following publications have been ascertained in the context of this evaluation (PMID: 10090472, 12050235). ClinVar contains an entry for this variant (Variation ID: 200981). Based on the evidence outlined above, the variant was classified as pathogenic.

Institute of Human Genetics, University of Leipzig Medical Center
Classification: Pathogenic for Multiple endocrine neoplasia, type 1. Last evaluated: 2025-03-21. Review status: criteria provided, single submitter. Criteria: ACMG Guidelines, 2015. Collection method: clinical testing. Allele origin: unknown. Inheritance: Autosomal dominant inheritance. Affected: yes.
Comment: Criteria applied: PVS1,PS4,PM2_SUP,PP1

Center for Genomic Medicine, Rigshospitalet, Copenhagen University Hospital
Classification: Pathogenic. Last evaluated: 2025-03-04. Review status: criteria provided, single submitter. Criteria: ACMG Guidelines, 2015. Collection method: clinical testing. Allele origin: germline.

Dubai Health Genomic Medicine Center, Dubai Health
Classification: Pathogenic for Multiple endocrine neoplasia 1. Last evaluated: 2024-10-04. Review status: criteria provided, single submitter. Criteria: ACMG Guidelines, 2015. Collection method: research. Allele origin: germline. Affected: yes.
Comment: PS4,PP1,PM2,PP3,PS3

Quest Diagnostics Nichols Institute San Juan Capistrano
Classification: Pathogenic. Last evaluated: 2024-09-25. Review status: criteria provided, single submitter. Criteria: Quest Diagnostics criteria. Collection method: clinical testing. Allele origin: unknown.
Comment: The MEN1 c.784-9G>A variant has been reported in the published literature to activate a cryptic splice-acceptor site and interferes with normal MEN1 mRNA splicing (PMIDs: 12050235 (2002), 10861493 (2000), and 10424788 (1999)). In the published literature, this variant has been reported as highly recurrent and found in multiple individuals and families with MEN1 in the published literature (PMIDs: 37761922 (2023), 35407574 (2022), 32715272 (2020), 30324798 (2018), 29036195 (2017), 28870973 (2017), 22470073 (2012), 17879353 (2008), 12050235 (2002), and 10424788 (1999)). This variant has not been reported in large, multi-ethnic general populations (Genome Aggregation Database). Analysis of this variant using software algorithms for the prediction of the effect of nucleotide changes on splicing yielded predictions that this variant may affect proper MEN1 mRNA splicing. Based on the available information, this variant is classified as pathogenic.

ARUP Laboratories, Molecular Genetics and Genomics, ARUP Laboratories
Classification: Pathogenic. Last evaluated: 2024-04-17. Review status: criteria provided, single submitter. Criteria: ARUP Molecular Germline Variant Investigation Process 2024. Collection method: clinical testing. Allele origin: germline.
Comment: The MEN1 c.784-9G>A variant (rs794728625), (also described as nt5168G>A, 5178-9G>A, 894-9G>A, c.799-9G>A, and IVS4-9G>A, for alternative transcripts or reference sequences), is reported in the literature in multiple individuals with MEN1, and is reported to co-segregate with disease in some of these families (Gortz 1999, Hai 1999, Kishi 1999, Komminoth 2000, Lemos 2008, Mutch 1999, Pardi 2017, Pieterman 2012, Turner 2002). This variant is reported in ClinVar (Variation ID: 200981). This variant is absent from the Genome Aggregation Database, indicating it is not a common polymorphism. Computational algorithms predict this variant introduces a strong cryptic acceptor splice site upstream the canonical acceptor of intron 4 (Alamut v.2.10). In support of this, functional studies have shown this variant causes aberrant splicing by adding 7 extra nucleotides in intron 4, ultimately leading to a frameshift in the coding sequence of exon 5 (Kishi 1999, Komminoth 2000, Mutch 1999). Based on available information, this variant is considered pathogenic. References: Gortz B et al. MEN1 gene mutation analysis of sporadic adrenocortical lesions. Int J Cancer. 1999 Jan 29;80(3):373-9. Hai N et al. Germline MEN1 mutations in sixteen Japanese families with multiple endocrine neoplasia type 1 (MEN1). Eur J Endocrinol. 1999 Nov;141(5):475-80. Kishi M et al. A novel splicing mutation (894-9 G --> A) of the MEN1 gene responsible for multiple endocrine neoplasia type 1. Cancer Lett. 1999 Jul 19;142(1):105-10. Komminoth P. A 5178-9g--> A splice donor site mutation in intron 4 of the MEN1 gene causing multiple endocrine neoplasia type 1. Int J Cancer. 2000 Jul 15;87(2):306-7. Lemos MC et al. Multiple endocrine neoplasia type 1 (MEN1): analysis of 1336 mutations reported in the first decade following identification of the gene. Hum Mutat. 2008 Jan;29(1):22-32. Mutch MG et al. Germline mutations in the multiple endocrine neoplasia type 1 gene: evidence for frequent splicing defects. Hum Mutat. 1999;13(3):175-85. Pardi E et al. Mutational and large deletion study of genes implicated in hereditary forms of primary hyperparathyroidism and correlation with clinical features. PLoS One. 2017 Oct 16;12(10):e0186485. Pieterman CR et al. Primary hyperparathyroidism in MEN1 patients: a cohort study with longterm follow-up on preferred surgical procedure and the relation with genotype. Ann Surg. 2012 Jun;255(6):1171-8. Turner JJ et al. Frequent occurrence of an intron 4 mutation in multiple endocrine neoplasia type 1. J Clin Endocrinol Metab. 2002 Jun;87(6):2688-93.

NM_001370259.2(MEN1):c.784-9G>A

Gene: MEN1 (menin 1; minus strand). Cytogenetic location: 11q13.1.
Variant type: single nucleotide variant.
Coding change: c.784-9G>A on transcript NM_001370259.2 (MANE Select); 9 bases into the intron before coding-DNA position 784, G replaced by A.
Molecular consequence: intron variant.
Genome position (GRCh38, 1-based): chr11:64,807,228, C>T on the plus strand (G>A on the coding strand, the complement: MEN1 is on the minus strand). VCF-style: chr11-64807228-C-T. GRCh37 (hg19) VCF-style: chr11-64574700-C-T.
Other names: p.?; IVS4, G-A, -9; c.799-9G>A (NM_130804.3, NM_130803.3, NM_000244.4 and 3 more transcripts); c.784-9G>A (NM_130799.3, NM_001370260.2, NM_001370251.2 and 1 more transcripts); c.679-9G>A (NM_001370263.2, NM_001370262.2).
Identifiers: ClinVar variation 200981 (VCV000200981.39), dbSNP rs794728625, ClinGen allele CA009635.
Genomic context (GRCh38, chr11:64,807,228, plus strand): 5'-CCTCTACTGACCTTTCCAGATGTCCCAGGTCATAGAGCAGCCAGAGCAGCTTCTAGGAGC[C>T]GAAGGAGAGAGTTATGAGCCACGGAACAGGGAGGAGAACGGGTCCTTAGCCTATCGGGCA-3'